The following is an entry in ClinVar:

ClinVar aggregate classification (germline): Conflicting classifications of pathogenicity. Review status: criteria provided, conflicting classifications (1 of 4 stars). 4 submissions from 1 submitter: Uncertain significance (1); Benign (2); Likely benign (1). Last evaluated 2018-01-12.

Conditions:
Multiple endocrine neoplasia. Identifiers: Orphanet 276161, MedGen C0027662, MONDO:0017169.
Renal hypodysplasia/aplasia 1 (RHDA1). Also called: RENAL APLASIA; HEREDITARY RENAL APLASIA. Identifiers: Orphanet 411709, MedGen C1619700, MONDO:0024519, OMIM 191830.
Hirschsprung disease, susceptibility to, 1 (HSCR1). Also called: RET-Related Hirschsprung Disease. Identifiers: Orphanet 388, MedGen C3888239, MONDO:0007723, OMIM 142623.
Pheochromocytoma. Also called: MAX-Related Hereditary Paraganglioma-Pheochromocytoma Syndrome. Identifiers: Orphanet 29072, MedGen C0031511, MONDO:0008233, OMIM 171300, HP:0002666.

Allele frequency attached by ClinVar (database versions not stated): TOPMed 0.00038; gnomAD 0.00039 and 0.00050; 1000 Genomes Project 30x 0.00109; 1000 Genomes Project 0.00140; gnomAD exomes 0.00154.
gnomAD v4.1: 219 of 252,332 alleles (0.087%); highest among the groups gnomAD compares: East Asian, 0.93%; 1 homozygote.

Submissions (4):

Illumina Laboratory Services, Illumina
Classification: Benign for Multiple endocrine neoplasia. Last evaluated: 2018-01-12. Review status: criteria provided, single submitter. Criteria: ICSL Variant Classification Criteria 13 December 2019. Collection method: clinical testing. Allele origin: germline.
Comment: This variant was observed in the ICSL laboratory as part of a predisposition screen in an ostensibly healthy population. It had not been previously curated by ICSL or reported in the Human Gene Mutation Database (HGMD: prior to June 1st, 2018), and was therefore a candidate for classification through an automated scoring system. Utilizing variant allele frequency, disease prevalence and penetrance estimates, and inheritance mode, an automated score was calculated to assess if this variant is too frequent to cause the disease. Based on the score and internal cut-off values, a variant classified as benign is not then subjected to further curation. The score for this variant resulted in a classification of benign for this disease.

Illumina Laboratory Services, Illumina
Classification: Benign for Pheochromocytoma. Last evaluated: 2018-01-12. Review status: criteria provided, single submitter. Criteria: ICSL Variant Classification Criteria 13 December 2019. Collection method: clinical testing. Allele origin: germline.
Comment: the same text as in the submission from Illumina Laboratory Services, Illumina above.

Illumina Laboratory Services, Illumina
Classification: Likely benign for Hirschsprung disease, susceptibility to, 1. Last evaluated: 2018-01-12. Review status: criteria provided, single submitter. Criteria: ICSL Variant Classification Criteria 13 December 2019. Collection method: clinical testing. Allele origin: germline.
Comment: This variant was observed in the ICSL laboratory as part of a predisposition screen in an ostensibly healthy population. It had not been previously curated by ICSL or reported in the Human Gene Mutation Database (HGMD: prior to June 1st, 2018), and was therefore a candidate for classification through an automated scoring system. Utilizing variant allele frequency, disease prevalence and penetrance estimates, and inheritance mode, an automated score was calculated to assess if this variant is too frequent to cause the disease. Based on the score and internal cut-off values, a variant classified as likely benign is not then subjected to further curation. The score for this variant resulted in a classification of likely benign for this disease.

Illumina Laboratory Services, Illumina
Classification: Uncertain significance for Renal hypodysplasia/aplasia 1. Last evaluated: 2018-01-12. Review status: criteria provided, single submitter. Criteria: ICSL Variant Classification Criteria 13 December 2019. Collection method: clinical testing. Allele origin: germline.

NM_020975.6(RET):c.*1348G>A

Gene: RET (ret proto-oncogene; plus strand). Cytogenetic location: 10q11.21.
Variant type: single nucleotide variant.
Coding change: c.*1348G>A on transcript NM_020975.6 (MANE Select); 1348 bases downstream of the stop codon, G replaced by A.
Molecular consequence: 3 prime UTR variant.
Genome position (GRCh38, 1-based): chr10:43,129,617, G>A. VCF-style: chr10-43129617-G-A. GRCh37 (hg19) VCF-style: chr10-43625065-G-A.
Other names: c.*1348G>A (LRG_518t1).
Identifiers: ClinVar variation 299932 (VCV000299932.6), dbSNP rs149252070, ClinGen allele CA10635757.
Genomic context (GRCh38, chr10:43,129,617, plus strand): 5'-GGAAGTCTCAGCAGCTCTTCTGGCTGTGTTGTCAGCACTGTAACTTCGCAGAAAAGAGTC[G>A]GATTACCAAAACACTGCCTGCTCTTCAGACTTAAAGCACTGATAGGACTTAAAATAGTCT-3'